The following is an entry in ClinVar:

ClinVar aggregate classification (germline): Uncertain significance (1 of 4 stars; one submission).

Conditions:
Charcot-Marie-Tooth disease axonal type 2F (CMT2F). Also called: CHARCOT-MARIE-TOOTH DISEASE, NEURONAL, TYPE 2F; Charcot-Marie-Tooth Neuropathy Type 2F. Identifiers: Orphanet 99940, MedGen C1847823, MONDO:0011687, OMIM 606595.

Allele frequency attached by ClinVar (database versions not stated): ESP Exome Variant Server 0.00008.

Submission:

Labcorp Genetics (formerly Invitae), Labcorp
Classification: Uncertain significance for Charcot-Marie-Tooth disease axonal type 2F. Last evaluated: 2022-08-23. Review status: criteria provided, single submitter. Criteria: Invitae Variant Classification Sherloc (09022015). Collection method: clinical testing. Allele origin: germline.
Comment: This sequence change replaces glutamic acid, which is acidic and polar, with aspartic acid, which is acidic and polar, at codon 166 of the HSPB1 protein (p.Glu166Asp). This variant is not present in population databases (gnomAD no frequency). This variant has not been reported in the literature in individuals affected with HSPB1-related conditions. ClinVar contains an entry for this variant (Variation ID: 1472039). Algorithms developed to predict the effect of missense changes on protein structure and function (SIFT, PolyPhen-2, Align-GVGD) all suggest that this variant is likely to be tolerated. In summary, the available evidence is currently insufficient to determine the role of this variant in disease. Therefore, it has been classified as a Variant of Uncertain Significance.

NM_001540.5(HSPB1):c.498G>C (p.Glu166Asp)

Gene: HSPB1 (heat shock protein family B (small) member 1; plus strand). Cytogenetic location: 7q11.23.
Variant type: single nucleotide variant.
Coding change: c.498G>C on transcript NM_001540.5 (MANE Select); coding-DNA position 498, G replaced by C.
Protein change: p.Glu166Asp; replaces glutamic acid 166 with aspartic acid.
Molecular consequence: missense variant.
Genome position (GRCh38, 1-based): chr7:76,304,053, G>C. VCF-style: chr7-76304053-G-C. GRCh37 (hg19) VCF-style: chr7-75933370-G-C.
Other names: short protein forms E166D.
Identifiers: ClinVar variation 1472039 (VCV001472039.6), dbSNP rs148357753, ClinGen allele CA160901838.
Genomic context (GRCh38, chr7:76,304,053, plus strand): 5'-CGGTGTGGACCCCACCCAAGTTTCCTCCTCCCTGTCCCCTGAGGGCACACTGACCGTGGA[G>C]GCCCCCATGCCCAAGCTAGCCACGCAGTCCAACGAGATCACCATCCCAGTCACCTTCGAG-3'
Protein context (NP_001531.1, residues 156-176): SLSPEGTLTV[Glu166Asp]APMPKLATQS